The following is an entry in ClinVar:

NM_014009.4(FOXP3):c.324G>A (p.Thr108=)

Gene: FOXP3 (forkhead box P3; minus strand). Cytogenetic location: Xp11.23.
Variant type: single nucleotide variant.
Coding change: c.324G>A on transcript NM_014009.4 (MANE Select); coding-DNA position 324, G replaced by A.
Protein change: p.Thr108=; no amino-acid change (threonine 108 retained).
Molecular consequence: synonymous variant.
Genome position (GRCh38, 1-based): chrX:49,257,557, C>T on the plus strand (G>A on the coding strand, the complement: FOXP3 is on the minus strand). VCF-style: chrX-49257557-C-T. GRCh37 (hg19) VCF-style: chrX-49114014-C-T.
Other names: c.219G>A, p.Thr73= (NM_001114377.2).
Identifiers: ClinVar variation 435252 (VCV000435252.24), dbSNP rs111856931, ClinGen allele CA10411822.

ClinVar aggregate classification (germline): Benign/Likely benign. Review status: criteria provided, multiple submitters, no conflicts (2 of 4 stars). 6 submissions from 6 submitters: Benign (2); Likely benign (3). 1 of the submissions does not count toward it. Last evaluated 2026-01-25.

Conditions:
Insulin-dependent diabetes mellitus secretory diarrhea syndrome (IPEX). Also called: X-Linked Autoimmunity-Allergic Dysregulation Syndrome; Immunodeficiency, Polyendocrinopathy, and Enteropathy X-Linked Syndrome; X-Linked Syndrome of Polyendocrinopathy, Immune Dysfunction, and Diarrhea; DIABETES MELLITUS, CONGENITAL INSULIN-DEPENDENT, WITH FATAL SECRETORY DIARRHEA; DIARRHEA, POLYENDOCRINOPATHY, FATAL INFECTION SYNDROME, X-LINKED; ENTEROPATHY, AUTOIMMUNE, WITH HEMOLYTIC ANEMIA AND POLYENDOCRINOPATHY. Identifiers: Orphanet 37042, MedGen C0342288, MONDO:0010580, OMIM 304790. Disease mechanism: loss of function.
FOXP3-related disorder. Also called: FOXP3-related condition.

Allele frequency attached by ClinVar (database versions not stated): 1000 Genomes Project 0.00026; 1000 Genomes Project 30x 0.00042; gnomAD 0.00229 and 0.00245; TOPMed 0.00241; ESP Exome Variant Server 0.00332.

Submissions (6):

Labcorp Genetics (formerly Invitae), Labcorp
Classification: Benign for Insulin-dependent diabetes mellitus secretory diarrhea syndrome. Last evaluated: 2026-01-25. Review status: criteria provided, single submitter. Criteria: Invitae Variant Classification Sherloc (09022015). Collection method: clinical testing. Allele origin: germline.

Blueprint Genetics
Classification: Likely benign. Last evaluated: 2024-11-01. Review status: criteria provided, single submitter. Criteria: ACMG Guidelines, 2015. Collection method: clinical testing. Allele origin: germline.

Eurofins Ntd Llc (ga)
Classification: Likely benign. Last evaluated: 2018-07-19. Review status: criteria provided, single submitter. Criteria: EGL ClinVar v180209 classification definitions. Collection method: clinical testing. Allele origin: germline. Observed: 1 variant allele, 1 heterozygote.

Genetic Services Laboratory, University of Chicago
Classification: Likely benign. Last evaluated: 2015-11-23. Review status: criteria provided, single submitter. Criteria: ACMG Guidelines, 2015. Collection method: clinical testing. Allele origin: germline. Affected: no.

Clinical Genomics, Uppaluri K&H Personalized Medicine Clinic
Classification: Benign for Insulin-dependent diabetes mellitus secretory diarrhea syndrome. Review status: criteria provided, single submitter. Criteria: K & H Uppaluri Personalized Medicine Clinic Variant Classification & Assertion Criteria_Updated V.1. Collection method: research. Allele origin: unknown. Inheritance: X-linked recessive inheritance.
Comment: Potent mutations in FOXP3 gene are associated with a rare X linked condition called IPEX. It presents with immune dysregulation, secretory diarrhea, polyendocrinopathy which includes diabtes type 1, thyroiditis, growth hormone deficiency and hypoadrenalism. It is associated with pancreatic beta cell destruction.However no sufficient evidence is found to ascertain the role of this particular variant rs111856931, yet.

PreventionGenetics, part of Exact Sciences
Classification: Likely benign for FOXP3-related condition. Last evaluated: 2021-10-29. Review status: no assertion criteria provided. Collection method: clinical testing. Allele origin: germline. Not counted in ClinVar's aggregate classification.
Comment: This variant is classified as likely benign based on ACMG/AMP sequence variant interpretation guidelines (Richards et al. 2015 PMID: 25741868, with internal and published modifications).

Literature cited by the submitters: PubMed 29193502 (cited by Clinical Genomics, Uppaluri K&H Personalized Medicine Clinic); PubMed 33194927 (cited by Clinical Genomics, Uppaluri K&H Personalized Medicine Clinic); PubMed 11137993 (cited by Clinical Genomics, Uppaluri K&H Personalized Medicine Clinic); PubMed 23313429 (cited by Clinical Genomics, Uppaluri K&H Personalized Medicine Clinic); PubMed 33523441 (cited by Clinical Genomics, Uppaluri K&H Personalized Medicine Clinic).